The following is an entry in ClinVar:

NM_017617.5(NOTCH1):c.5385-3C>G

Gene: NOTCH1 (notch receptor 1; minus strand). Cytogenetic location: 9q34.3.
Variant type: single nucleotide variant.
Coding change: c.5385-3C>G on transcript NM_017617.5 (MANE Select); 3 bases into the intron before coding-DNA position 5385, C replaced by G.
Molecular consequence: intron variant.
Genome position (GRCh38, 1-based): chr9:136,502,091, G>C on the plus strand (C>G on the coding strand, the complement: NOTCH1 is on the minus strand). VCF-style: chr9-136502091-G-C. GRCh37 (hg19) VCF-style: chr9-139396543-G-C.
Identifiers: ClinVar variation 3729775 (VCV003729775.2).

ClinVar aggregate classification (germline): Uncertain significance (1 of 4 stars; one submission).

Conditions:
Adams-Oliver syndrome 5 (AOS5). Identifiers: Orphanet 974, MedGen C4014970, MONDO:0014459, OMIM 616028.

Submission:

Labcorp Genetics (formerly Invitae), Labcorp
Classification: Uncertain significance for Adams-Oliver syndrome 5. Last evaluated: 2025-01-29. Review status: criteria provided, single submitter. Criteria: Invitae Variant Classification Sherloc (09022015). Collection method: clinical testing. Allele origin: germline.
Comment: This sequence change falls in intron 28 of the NOTCH1 gene. It does not directly change the encoded amino acid sequence of the NOTCH1 protein. It affects a nucleotide within the consensus splice site. This variant is not present in population databases (gnomAD no frequency). This variant has not been reported in the literature in individuals affected with NOTCH1-related conditions. Variants that disrupt the consensus splice site are a relatively common cause of aberrant splicing (PMID: 17576681, 9536098). Algorithms developed to predict the effect of sequence changes on RNA splicing suggest that this variant may disrupt the consensus splice site. In summary, the available evidence is currently insufficient to determine the role of this variant in disease. Therefore, it has been classified as a Variant of Uncertain Significance.

Literature cited by the submitters: PubMed 17576681; PubMed 9536098.